The following is an entry in ClinVar:

ClinVar aggregate classification (germline): Likely benign. Review status: criteria provided, multiple submitters, no conflicts (2 of 4 stars). 3 submissions from 3 submitters: Likely benign (3). Last evaluated 2026-04-21.

Conditions:
Immunodeficiency, common variable, 7. Identifiers: Orphanet 1572, Orphanet 696894, MedGen C3542922, MONDO:0013862, OMIM 614699.
CR2-related disorder. Also called: CR2-related condition; CR2-related disorders.

Allele frequency attached by ClinVar (database versions not stated): gnomAD exomes 0.00012 and 0.00031; ExAC 0.00035; gnomAD 0.00107 and 0.00113; TOPMed 0.00122; ESP Exome Variant Server 0.00146; 1000 Genomes Project 0.00160; 1000 Genomes Project 30x 0.00187.

Submissions (3):

PreventionGenetics, part of Exact Sciences
Classification: Likely benign for CR2-related condition. Last evaluated: 2026-04-21. Review status: criteria provided, single submitter. Criteria: ACMG Guidelines, 2015. Collection method: clinical testing. Allele origin: germline.
Comment: This variant is classified as likely benign based on ACMG/AMP sequence variant interpretation guidelines (Richards et al. 2015 PMID: 25741868, with internal and published modifications).

Labcorp Genetics (formerly Invitae), Labcorp
Classification: Likely benign for Immunodeficiency, common variable, 7. Last evaluated: 2026-02-01. Review status: criteria provided, single submitter. Criteria: Invitae Variant Classification Sherloc (09022015). Collection method: clinical testing. Allele origin: germline.

CeGaT Center for Human Genetics Tuebingen
Classification: Likely benign. Last evaluated: 2023-12-01. Review status: criteria provided, single submitter. Criteria: CeGaT Center For Human Genetics Tuebingen Variant Classification Criteria Version 2. Collection method: clinical testing. Allele origin: germline. Affected: yes. Observed: 1 variant allele.
Comment: CR2: BP4

NM_001006658.3(CR2):c.2628T>G (p.Asn876Lys)

Gene: CR2 (complement C3d receptor 2; plus strand). Cytogenetic location: 1q32.2.
Variant type: single nucleotide variant.
Coding change: c.2628T>G on transcript NM_001006658.3 (MANE Select); coding-DNA position 2628, T replaced by G.
Protein change: p.Asn876Lys; replaces asparagine 876 with lysine.
Molecular consequence: missense variant.
Genome position (GRCh38, 1-based): chr1:207,475,128, T>G. VCF-style: chr1-207475128-T-G. GRCh37 (hg19) VCF-style: chr1-207648473-T-G.
Other names: c.2451T>G, p.Asn817Lys (NM_001877.5); short protein forms N817K, N876K.
Identifiers: ClinVar variation 783304 (VCV000783304.34), dbSNP rs138979306, ClinGen allele CA1369016.
Genomic context (GRCh38, chr1:207,475,128, plus strand): 5'-CAAGCTCAATAAAACACATTCTGCATATTCCCACAATGACATAGTGTATGTTGACTGCAA[T>G]CCTGGCTTCATCATGAATGGTAGTCGCGTGATTAGGTGTCATACTGATAACACATGGGTG-3'
Protein context (NP_001006659.1, residues 866-886): SHNDIVYVDC[Asn876Lys]PGFIMNGSRV